The following is an entry in ClinVar:

NM_012330.4(KAT6B):c.5389C>T (p.Arg1797Ter)

Gene: KAT6B (lysine acetyltransferase 6B; plus strand). Cytogenetic location: 10q22.2.
Variant type: single nucleotide variant.
Coding change: c.5389C>T on transcript NM_012330.4 (MANE Select); coding-DNA position 5389, C replaced by T.
Protein change: p.Arg1797Ter; replaces arginine 1797 with a stop codon.
Molecular consequence: nonsense.
Genome position (GRCh38, 1-based): chr10:75,030,213, C>T. VCF-style: chr10-75030213-C-T. GRCh37 (hg19) VCF-style: chr10-76789971-C-T.
Other names: c.4840C>T, p.Arg1614Ter (NM_001256468.2, NM_001370138.1); c.4513C>T, p.Arg1505Ter (NM_001256469.2, NM_001370139.1, NM_001370140.1 and 2 more transcripts); c.4351C>T, p.Arg1451Ter (NM_001370132.1); c.3700C>T, p.Arg1234Ter (NM_001370133.1); c.3304C>T, p.Arg1102Ter (NM_001370134.1); c.3046C>T, p.Arg1016Ter (NM_001370135.1); c.5389C>T, p.Arg1797Ter (NM_001370136.1, NM_001370137.1); c.4324C>T, p.Arg1442Ter (NM_001370143.1, NM_001370144.1); short protein forms R1797*, R1234*, R1442*, R1505*, R1016*, R1451*, R1614*, R1102*.
Identifiers: ClinVar variation 50357 (VCV000050357.12), dbSNP rs199470484, ClinGen allele CA143738.

ClinVar aggregate classification (germline): Pathogenic. Review status: criteria provided, multiple submitters, no conflicts (2 of 4 stars). 6 submissions from 6 submitters: Pathogenic (3). 3 of the submissions do not count toward it. Last evaluated 2024-11-05.

Conditions:
KAT6B-related multiple congenital anomalies syndrome. Identifiers: Orphanet 597749, MedGen C5680266, MONDO:0036042.
Blepharophimosis - intellectual disability syndrome, SBBYS type (SBBYSS). Also called: Ohdo syndrome, SBBYS variant; Say-Barber-Biesecker-Young-Simpson variant of Ohdo Syndrome; Say-Barber-Biesecker Variant of Ohdo Syndrome; Say-Barber-Biesecker variant of Ohdo syndrome (SBBYSS); SBBYSS syndrome; Say-Barber-Biesecker-Young-Simpson syndrome. Identifiers: Orphanet 3047, MedGen C1863557, MONDO:0011365, OMIM 603736.
Genitopatellar syndrome (GTPTS). Also called: Genitopatellar syndrome (GPS); ABSENT PATELLAE, SCROTAL HYPOPLASIA, RENAL ANOMALIES, FACIAL DYSMORPHISM, AND MENTAL RETARDATION. Identifiers: Orphanet 85201, MedGen C1853566, MONDO:0011640, OMIM 606170.

Submissions (6):

Gharavi Laboratory, Columbia University
Classification: Pathogenic for Ohdo syndrome, SBBYS variant. Last evaluated: 2024-11-05. Review status: criteria provided, single submitter. Criteria: ACMG Guidelines, 2015. Collection method: case-control. Allele origin: germline. Affected: yes.

Victorian Clinical Genetics Services, Murdoch Childrens Research Institute
Classification: Pathogenic for KAT6B-related multiple congenital anomalies syndrome. Last evaluated: 2024-10-09. Review status: criteria provided, single submitter. Criteria: ACMG Guidelines, 2015. Collection method: clinical testing. Allele origin: germline. Inheritance: Autosomal dominant inheritance. Affected: yes.
Comment: Based on the classification scheme VCGS_Germline_v1.3.4, this variant is classified as Pathogenic. Following criteria are met: 0103 - Loss of function and gain of function are likely mechanisms of disease in this gene and are associated with Say-Barber-Biesecker-Young-Simpson syndrome (SBBYSS) (MIM#603736) and genitopatellar syndrome (GPS) (MIM#606170), respectively; these two conditions are also referred to as KAT6B-related multiple congenital anomalies syndrome (MONDO:0036042) which also include individuals with intermediate phenotypes consisting of SBBYSS and GPS features. NMD-predicted variants have a loss of function mechanism, and are associated with SBBYSS. Truncating variants (PTVs) found in the last exon have been reported for both conditions, and are likely to have both a loss- and gain of function effect. PTVs found in the proximal end of the final exon have been reported in patients with GPS, while PTVs in the terminal end of the final exon have SBBYSS (PMIDs: 22715153, 32424177). (I) 0107 - This gene is associated with autosomal dominant disease. (I) 0205 - Variant is predicted to result in a truncated protein (premature termination codon is NOT located at least 54 nucleotides upstream of the final exon-exon junction) with less than 1/3 of the protein sequence affected. (SP) 0251 - This variant is heterozygous. (I) 0301 - Variant is absent from gnomAD (both v2 and v3). (SP) 0604 - Variant is not located in an established domain, motif, hotspot or informative constraint region. (I) 0701 - Other protein truncating variants comparable to the one identified in this case have very strong previous evidence for pathogenicity. More than five downstream truncating variants have been identified in individuals with SSBYSS or with an intermediate phenotype overlapping both SBBYSS and GPS (PMID: 32424177). (SP) 0801 - This variant has strong previous evidence of pathogenicity in unrelated individuals. This variant has been reported as de novo in at least three individuals with SBBYSS or an intermediate phenotype with overlapping features of SBBYSS and GPS (PMIDs: 22077973, 23436491, 28857140). It has also been classified as pathogenic by a clinical laboratory in ClinVar. (SP) Legend: (SP) - Supporting pathogenic, (I) - Information, (SB) - Supporting benign

Labcorp Genetics (formerly Invitae), Labcorp
Classification: Pathogenic for Genitopatellar syndrome. Last evaluated: 2020-04-26. Review status: criteria provided, single submitter. Criteria: Invitae Variant Classification Sherloc (09022015). Collection method: clinical testing. Allele origin: germline.
Comment: For these reasons, this variant has been classified as Pathogenic. Experimental studies and prediction algorithms are not available or were not evaluated, and the functional significance of this variant is currently unknown. This variant has been observed in individual(s) with Say-Barber-Biesecker-Young-Simpson syndrome (PMID: 22077973, 23436491). In at least one individual the variant was observed to be de novo. ClinVar contains an entry for this variant (Variation ID: 50357). This variant is not present in population databases (ExAC no frequency). This sequence change results in a premature translational stop signal in the KAT6B gene (p.Arg1797*). While this is not anticipated to result in nonsense mediated decay, it is expected to disrupt the last 277 amino acids of the KAT6B protein.

OMIM
Classification: Pathogenic for SAY-BARBER-BIESECKER-YOUNG-SIMPSON SYNDROME. Last evaluated: 2013-04-01. Review status: no assertion criteria provided. Collection method: literature only. Allele origin: germline. Not counted in ClinVar's aggregate classification.

GeneReviews
No classification provided. Condition: Blepharophimosis - intellectual disability syndrome, SBBYS type. Review status: no classification provided. Collection method: literature only. Allele origin: germline. Not counted in ClinVar's aggregate classification.

Lee Lab(KAT6B), Baylor College of Medicine
No classification provided. Review status: no classification provided. Collection method: not provided. Allele origin: unknown. Not counted in ClinVar's aggregate classification.

Literature cited by the submitters: PubMed 22077973 (cited by 4 submitters); PubMed 22715153 (cited by Victorian Clinical Genetics Services, Murdoch Childrens Research Institute); PubMed 23436491 (cited by 4 submitters); PubMed 28857140 (cited by Victorian Clinical Genetics Services, Murdoch Childrens Research Institute); PubMed 32424177 (cited by Victorian Clinical Genetics Services, Murdoch Childrens Research Institute); PubMed 21344633 (cited by OMIM); PubMed 23236640 (cited by GeneReviews).